The following is an entry in ClinVar:

NM_006949.4(STXBP2):c.1585C>T (p.Arg529Trp)

Gene: STXBP2 (syntaxin binding protein 2; plus strand). Cytogenetic location: 19p13.2.
Variant type: single nucleotide variant.
Coding change: c.1585C>T on transcript NM_006949.4 (MANE Select); coding-DNA position 1585, C replaced by T.
Protein change: p.Arg529Trp; replaces arginine 529 with tryptophan.
Molecular consequence: missense variant. On other transcripts: non-coding transcript variant (1).
Genome position (GRCh38, 1-based): chr19:7,647,400, C>T. VCF-style: chr19-7647400-C-T. GRCh37 (hg19) VCF-style: chr19-7712286-C-T.
Other names: c.1576C>T, p.Arg526Trp (NM_001127396.3); c.1618C>T, p.Arg540Trp (NM_001272034.2); short protein forms R540W, R526W, R529W.
Identifiers: ClinVar variation 843577 (VCV000843577.6), dbSNP rs766121039, ClinGen allele CA9144263.

ClinVar aggregate classification (germline): Uncertain significance. Review status: criteria provided, multiple submitters, no conflicts (2 of 4 stars). 2 submissions from 2 submitters: Uncertain significance (2). Last evaluated 2025-02-12.

Conditions:
Familial hemophagocytic lymphohistiocytosis 5. Also called: STXBP2-Related Familial Hemophagocytic Lymphohistiocytosis (STXBP2-fHLH). Identifiers: Orphanet 540, MedGen C2751293, MONDO:0013135, OMIM 613101.
STXBP2-related disorder. Also called: STXBP2-related condition.

Allele frequency attached by ClinVar (database versions not stated): TOPMed 0.00001; gnomAD 0.00001.
gnomAD v4.1: 25 of 1,613,372 alleles (0.0015%); highest among the groups gnomAD compares: South Asian, 0.0066%; no homozygotes.

Submissions (2):

PreventionGenetics, part of Exact Sciences
Classification: Uncertain significance for STXBP2-related condition. Last evaluated: 2025-02-12. Review status: criteria provided, single submitter. Criteria: ACMG Guidelines, 2015. Collection method: clinical testing. Allele origin: germline.
Comment: The STXBP2 c.1585C>T variant is predicted to result in the amino acid substitution p.Arg529Trp. To our knowledge, this variant has not been reported in the literature. This variant is reported in 0.0098% of alleles in individuals of South Asian descent in gnomAD. At this time, the clinical significance of this variant is uncertain due to the absence of conclusive functional and genetic evidence.

Labcorp Genetics (formerly Invitae), Labcorp
Classification: Uncertain significance for Familial hemophagocytic lymphohistiocytosis 5. Last evaluated: 2022-08-09. Review status: criteria provided, single submitter. Criteria: Invitae Variant Classification Sherloc (09022015). Collection method: clinical testing. Allele origin: germline.
Comment: This sequence change replaces arginine, which is basic and polar, with tryptophan, which is neutral and slightly polar, at codon 529 of the STXBP2 protein (p.Arg529Trp). This variant is present in population databases (rs766121039, gnomAD 0.01%). This variant has not been reported in the literature in individuals affected with STXBP2-related conditions. ClinVar contains an entry for this variant (Variation ID: 843577). Algorithms developed to predict the effect of missense changes on protein structure and function are either unavailable or do not agree on the potential impact of this missense change (SIFT: "Deleterious"; PolyPhen-2: "Probably Damaging"; Align-GVGD: "Class C0"). In summary, the available evidence is currently insufficient to determine the role of this variant in disease. Therefore, it has been classified as a Variant of Uncertain Significance.